The following is an entry in ClinVar:

NM_000051.4(ATM):c.169T>G (p.Trp57Gly)

Gene: ATM (ATM serine/threonine kinase; plus strand). Cytogenetic location: 11q22.3.
Variant type: single nucleotide variant.
Coding change: c.169T>G on transcript NM_000051.4 (MANE Select); coding-DNA position 169, T replaced by G.
Protein change: p.Trp57Gly; replaces tryptophan 57 with glycine.
Molecular consequence: missense variant.
Genome position (GRCh38, 1-based): chr11:108,227,872, T>G. VCF-style: chr11-108227872-T-G. GRCh37 (hg19) VCF-style: chr11-108098599-T-G.
Other names: c.169T>G, p.Trp57Gly (NM_001351834.2, NM_001351835.2, NM_001351836.2); short protein forms W57G.
Identifiers: ClinVar variation 1720444 (VCV001720444.5), dbSNP rs1555054238, ClinGen allele CA382520504.

ClinVar aggregate classification (germline): Uncertain significance (1 of 4 stars; one submission).

Conditions:
Ataxia-telangiectasia syndrome (AT). Also called: Cerebello-oculocutaneous telangiectasia; ATAXIA-TELANGIECTASIA, COMPLEMENTATION GROUP A; ATAXIA-TELANGIECTASIA, FRESNO VARIANT; Ataxia-telangiectasia, complementation group D; AT, COMPLEMENTATION GROUP C; Immunodeficiency with ataxia telangiectasia. Identifiers: Orphanet 100, MedGen C0004135, MONDO:0008840, OMIM 208900.

Submission:

Labcorp Genetics (formerly Invitae), Labcorp
Classification: Uncertain significance for Ataxia-telangiectasia syndrome. Last evaluated: 2023-05-05. Review status: criteria provided, single submitter. Criteria: Invitae Variant Classification Sherloc (09022015). Collection method: clinical testing. Allele origin: germline.
Comment: This sequence change replaces tryptophan, which is neutral and slightly polar, with glycine, which is neutral and non-polar, at codon 57 of the ATM protein (p.Trp57Gly). This variant is not present in population databases (gnomAD no frequency). This variant has not been reported in the literature in individuals affected with ATM-related conditions. ClinVar contains an entry for this variant (Variation ID: 1720444). Advanced modeling of protein sequence and biophysical properties (such as structural, functional, and spatial information, amino acid conservation, physicochemical variation, residue mobility, and thermodynamic stability) has been performed at Invitae for this missense variant, however the output from this modeling did not meet the statistical confidence thresholds required to predict the impact of this variant on ATM protein function. In summary, the available evidence is currently insufficient to determine the role of this variant in disease. Therefore, it has been classified as a Variant of Uncertain Significance.